The following is an entry in ClinVar:

NM_001267550.2(TTN):c.21638A>C (p.Asn7213Thr)

Gene: TTN (titin; minus strand). Cytogenetic location: 2q31.2.
Variant type: single nucleotide variant.
Coding change: c.21638A>C on transcript NM_001267550.2 (MANE Select); coding-DNA position 21638, A replaced by C.
Protein change: p.Asn7213Thr; replaces asparagine 7213 with threonine.
Molecular consequence: missense variant. On other transcripts: intron variant (3).
Genome position (GRCh38, 1-based): chr2:178,723,462, T>G on the plus strand (A>C on the coding strand, the complement: TTN is on the minus strand). VCF-style: chr2-178723462-T-G. GRCh37 (hg19) VCF-style: chr2-179588189-T-G.
Other names: p.N6896T:AAC>ACC; c.20687A>C, p.Asn6896Thr (NM_001256850.1); c.17906A>C, p.Asn5969Thr (NM_133378.4); c.13282+14620A>C (NM_003319.4); c.13858+14620A>C (NM_133437.4); c.13657+14620A>C (NM_133432.3); short protein forms N6896T, N7213T, N5969T.
Identifiers: ClinVar variation 203299 (VCV000203299.3), dbSNP rs794729623, ClinGen allele CA311965.

ClinVar aggregate classification (germline): Uncertain significance. Review status: criteria provided, multiple submitters, no conflicts (2 of 4 stars). 2 submissions from 2 submitters: Uncertain significance (2). Last evaluated 2026-03-12.

Conditions:
TTN-related disorder. Also called: TTN-related condition; TTN-related disease; TTN-related disorders.

Allele frequency attached by ClinVar (database versions not stated): gnomAD exomes below 0.00001; TOPMed below 0.00001; gnomAD 0.00001.
gnomAD v4.1: 7 of 1,613,204 alleles (0.00043%); highest among the groups gnomAD compares: African/African-American, 0.004%; no homozygotes.

Submissions (2):

PreventionGenetics, part of Exact Sciences
Classification: Uncertain significance for TTN-related condition. Last evaluated: 2026-03-12. Review status: criteria provided, single submitter. Criteria: ACMG Guidelines, 2015. Collection method: clinical testing. Allele origin: germline.
Comment: The TTN c.21638A>C variant is predicted to result in the amino acid substitution p.Asn7213Thr. To our knowledge, this variant has not been reported in the literature or in a large population database (gnomAD), indicating this variant is rare. At this time, the clinical significance of this variant is uncertain due to the absence of conclusive functional and genetic evidence.

GeneDx
Classification: Uncertain significance. Last evaluated: 2014-04-29. Review status: criteria provided, single submitter. Criteria: GeneDx Variant Classification (06012015). Collection method: clinical testing. Allele origin: germline. Affected: yes.
Comment: Missense variants in the TTN gene are considered 'unclassified' if they are not previously reported in the literature and do not have >1% frequency in the population to be considered a polymorphism. Research indicates that truncating mutations in the TTN gene are expected to account for approximately 25% of familial and 18% of sporadic idiopathic DCM; however, truncating variants in the TTN gene have been reported in approximately 3% of reported control alleles. There has been little investigation into non-truncating variants. (Herman D et al. Truncations of titin causing dilated cardiomyopathy. N Eng J Med 366:619-628, 2012) The variant is found in CARDIOMYOPATHY panel(s).